The following is an entry in ClinVar:

ClinVar aggregate classification (germline): Likely benign. Review status: criteria provided, multiple submitters, no conflicts (2 of 4 stars). 4 submissions from 4 submitters: Likely benign (4). Last evaluated 2026-09-21.

Conditions:
Autosomal recessive limb-girdle muscular dystrophy type 2J (LGMDR10). Also called: Limb-girdle muscular dystrophy, type 2J; MUSCULAR DYSTROPHY, LIMB-GIRDLE, AUTOSOMAL RECESSIVE 10. Identifiers: Orphanet 140922, MedGen C1837342, MONDO:0012127, OMIM 608807.
Dilated cardiomyopathy 1G (CMD1G). Identifiers: Orphanet 154, MedGen C1858763, MONDO:0011400, OMIM 604145.
Cardiovascular phenotype. Identifiers: MedGen CN230736.

Allele frequency attached by ClinVar (database versions not stated): gnomAD 0.00001; gnomAD exomes 0.00002; TOPMed 0.00002; ExAC 0.00003.
gnomAD v4.1: 25 of 1,612,774 alleles (0.0016%); highest among the groups gnomAD compares: South Asian, 0.0055%; no homozygotes.

Submissions (4):

Molecular Diagnostic Laboratory for Inherited Cardiovascular Disease, Montreal Heart Institute
Classification: Likely benign. Last evaluated: 2026-09-21. Review status: criteria provided, single submitter. Criteria: ACMG Guidelines, 2015. Collection method: clinical testing. Allele origin: germline. Affected: no.
Comment: BP7

Labcorp Genetics (formerly Invitae), Labcorp
Classification: Likely benign for Dilated cardiomyopathy 1G; Autosomal recessive limb-girdle muscular dystrophy type 2J. Last evaluated: 2025-10-04. Review status: criteria provided, single submitter. Criteria: Invitae Variant Classification Sherloc (09022015). Collection method: clinical testing. Allele origin: germline.

Women's Health and Genetics/Laboratory Corporation of America, LabCorp
Classification: Likely benign. Last evaluated: 2020-02-22. Review status: criteria provided, single submitter. Criteria: LabCorp Variant Classification Summary - May 2015. Collection method: clinical testing. Allele origin: germline.

Ambry Genetics
Classification: Likely benign for Cardiovascular phenotype. Last evaluated: 2019-10-29. Review status: criteria provided, single submitter. Criteria: Ambry Variant Classification Scheme 2023. Collection method: clinical testing. Allele origin: germline.

NM_001267550.2(TTN):c.88887C>T (p.Asn29629=)

Genes: TTN (titin; minus strand), TTN-AS1 (TTN antisense RNA 1; plus strand). Cytogenetic location: 2q31.2.
Variant type: single nucleotide variant.
Coding change: c.88887C>T on transcript NM_001267550.2 (MANE Select); coding-DNA position 88887, C replaced by T.
Protein change: p.Asn29629=; no amino-acid change (asparagine 29629 retained).
Molecular consequence: synonymous variant.
Genome position (GRCh38, 1-based): chr2:178,554,460, G>A on the plus strand (C>T on the coding strand, the complement: TTN is on the minus strand). VCF-style: chr2-178554460-G-A. GRCh37 (hg19) VCF-style: chr2-179419187-G-A.
Other names: c.83964C>T, p.Asn27988= (NM_001256850.1); c.61692C>T, p.Asn20564= (NM_003319.4); c.81183C>T, p.Asn27061= (NM_133378.4); c.62067C>T, p.Asn20689= (NM_133432.3); c.62268C>T, p.Asn20756= (NM_133437.4).
Identifiers: ClinVar variation 917680 (VCV000917680.12), dbSNP rs759136146, ClinGen allele CA1988043.